The following is an entry in ClinVar:

ClinVar aggregate classification (germline): Uncertain significance. Review status: criteria provided, multiple submitters, no conflicts (2 of 4 stars). 2 submissions from 2 submitters: Uncertain significance (2). Last evaluated 2026-07-07.

Conditions:
Inborn genetic diseases. Identifiers: MedGen C0950123, MeSH D030342.
Acute myeloid leukemia (AML). Also called: Acute myeloid leukemia, adult; AML adult; Acute non-lymphocytic leukemia; Acute granulocytic leukemia; Leukemia, acute myeloid, somatic; Leukemia, acute myelogenous, somatic. Identifiers: Orphanet 519, MedGen C0023467, MeSH D015470, MONDO:0018874, OMIM 601626, HP:0004808. Disease mechanism: Constitutively activated FLT3.

Allele frequency attached by ClinVar (database versions not stated): gnomAD exomes below 0.00001.

Submissions (2):

Ambry Genetics
Classification: Uncertain significance for Inborn genetic diseases. Last evaluated: 2026-07-07. Review status: criteria provided, single submitter. Criteria: Ambry Variant Classification Scheme 2023. Collection method: clinical testing. Allele origin: germline.
Comment: The p.K90N variant (also known as c.270G>T), located in coding exon 1 of the CEBPA gene, results from a G to T substitution at nucleotide position 270. The lysine at codon 90 is replaced by asparagine, an amino acid with similar properties. This amino acid position is conserved. In addition, this alteration is predicted to be tolerated by in silico analysis. Based on the available evidence, the clinical significance of this variant remains unclear.

Labcorp Genetics (formerly Invitae), Labcorp
Classification: Uncertain significance for Acute myeloid leukemia. Last evaluated: 2023-10-13. Review status: criteria provided, single submitter. Criteria: Invitae Variant Classification Sherloc (09022015). Collection method: clinical testing. Allele origin: germline.
Comment: This sequence change replaces lysine, which is basic and polar, with asparagine, which is neutral and polar, at codon 90 of the CEBPA protein (p.Lys90Asn). This variant is not present in population databases (gnomAD no frequency). This variant has not been reported in the literature in individuals affected with CEBPA-related conditions. Advanced modeling of protein sequence and biophysical properties (such as structural, functional, and spatial information, amino acid conservation, physicochemical variation, residue mobility, and thermodynamic stability) performed at Invitae indicates that this missense variant is not expected to disrupt CEBPA protein function. In summary, the available evidence is currently insufficient to determine the role of this variant in disease. Therefore, it has been classified as a Variant of Uncertain Significance.

NM_004364.5(CEBPA):c.270G>T (p.Lys90Asn)

Gene: CEBPA (CCAAT enhancer binding protein alpha; minus strand). Cytogenetic location: 19q13.11.
Variant type: single nucleotide variant.
Coding change: c.270G>T on transcript NM_004364.5 (MANE Select); coding-DNA position 270, G replaced by T.
Protein change: p.Lys90Asn; replaces lysine 90 with asparagine.
Molecular consequence: missense variant. On other transcripts: 5 prime UTR variant (1).
Genome position (GRCh38, 1-based): chr19:33,302,145, C>A on the plus strand (G>T on the coding strand, the complement: CEBPA is on the minus strand). VCF-style: chr19-33302145-C-A. GRCh37 (hg19) VCF-style: chr19-33793051-C-A.
Other names: c.-88G>T (NM_001285829.2); c.375G>T, p.Lys125Asn (NM_001287424.2); c.228G>T, p.Lys76Asn (NM_001287435.2); short protein forms K76N, K125N, K90N.
Identifiers: ClinVar variation 2804917 (VCV002804917.4), dbSNP rs2145263399, ClinGen allele CA405275301.